The following is an entry in ClinVar:

ClinVar aggregate classification (germline): Uncertain significance (1 of 4 stars; one submission).

Submission:

GeneDx
Classification: Uncertain significance. Last evaluated: 2023-04-20. Review status: criteria provided, single submitter. Criteria: GeneDx Variant Classification Process June 2021. Collection method: clinical testing. Allele origin: germline. Affected: yes.
Comment: Not observed at significant frequency in large population cohorts (gnomAD); Nonsense variant predicted to result in protein truncation as the last 45 amino acids are lost, although loss-of-function variants have not been reported downstream of this position in the protein; Has not been previously published as pathogenic or benign to our knowledge

NM_001776.6(ENTPD1):c.1396C>T (p.Gln466Ter)

Genes: ENTPD1 (ectonucleoside triphosphate diphosphohydrolase 1; plus strand), ENTPD1-AS1 (ENTPD1 antisense RNA 1; minus strand). Cytogenetic location: 10q24.1.
Variant type: single nucleotide variant.
Coding change: c.1396C>T on transcript NM_001776.6 (MANE Select); coding-DNA position 1396, C replaced by T.
Protein change: p.Gln466Ter; replaces glutamine 466 with a stop codon.
Molecular consequence: nonsense. On other transcripts: intron variant (1).
Genome position (GRCh38, 1-based): chr10:95,866,246, C>T. VCF-style: chr10-95866246-C-T. GRCh37 (hg19) VCF-style: chr10-97626003-C-T.
Other names: c.1417C>T, p.Gln473Ter (NM_001098175.2); c.1432C>T, p.Gln478Ter (NM_001164178.1); c.1273C>T, p.Gln425Ter (NM_001164179.2); c.1072C>T, p.Gln358Ter (NM_001164181.1, NM_001312654.1); c.982C>T, p.Gln328Ter (NM_001164182.2, NM_001164183.2); c.1362+1385C>T (NM_001320916.1); short protein forms Q328*, Q358*, Q425*, Q466*, Q473*, Q478*.
Identifiers: ClinVar variation 2661919 (VCV002661919.1), dbSNP rs2494721848, ClinGen allele CA377824881.